The following is an entry in ClinVar:

ClinVar aggregate classification (germline): Uncertain significance (1 of 4 stars; one submission).

Allele frequency attached by ClinVar (database versions not stated): gnomAD exomes 0.00001; TOPMed 0.00001.
gnomAD v4.1: 9 of 1,614,072 alleles (0.00056%); highest among the groups gnomAD compares: South Asian, 0.0011%; no homozygotes.

Submission:

Labcorp Genetics (formerly Invitae), Labcorp
Classification: Uncertain significance. Last evaluated: 2025-03-13. Review status: criteria provided, single submitter. Criteria: Invitae Variant Classification Sherloc (09022015). Collection method: clinical testing. Allele origin: germline.
Comment: This sequence change replaces arginine, which is basic and polar, with cysteine, which is neutral and slightly polar, at codon 158 of the MAD2L2 protein (p.Arg158Cys). This variant is not present in population databases (gnomAD no frequency). This variant has not been reported in the literature in individuals affected with MAD2L2-related conditions. ClinVar contains an entry for this variant (Variation ID: 2089951). An algorithm developed to predict the effect of missense changes on protein structure and function (PolyPhen-2) suggests that this variant is likely to be disruptive. In summary, the available evidence is currently insufficient to determine the role of this variant in disease. Therefore, it has been classified as a Variant of Uncertain Significance.

NM_006341.4(MAD2L2):c.472C>T (p.Arg158Cys)

Gene: MAD2L2 (mitotic arrest deficient 2 like 2; minus strand). Cytogenetic location: 1p36.22.
Variant type: single nucleotide variant.
Coding change: c.472C>T on transcript NM_006341.4 (MANE Select); coding-DNA position 472, C replaced by T.
Protein change: p.Arg158Cys; replaces arginine 158 with cysteine.
Molecular consequence: missense variant.
Genome position (GRCh38, 1-based): chr1:11,675,687, G>A on the plus strand (C>T on the coding strand, the complement: MAD2L2 is on the minus strand). VCF-style: chr1-11675687-G-A. GRCh37 (hg19) VCF-style: chr1-11735744-G-A.
Other names: c.472C>T, p.Arg158Cys (NM_001127325.2); short protein forms R158C.
Identifiers: ClinVar variation 2089951 (VCV002089951.4), dbSNP rs1369120504, ClinGen allele CA338416132.
Genomic context (GRCh38, chr1:11,675,687, plus strand): 5'-TGCGCCCAGACCCAGACCCATCTCATCTCACCTTGATGACCTGGATCTTCTCCATGTTGC[G>A]AGTGGCGGCTTCTCTCGTGTGCACCAGGACTGTGAAGGTACAGCCTGGAGAGGCAAGAGG-3'
Protein context (NP_006332.3, residues 148-168): VLVHTREAAT[Arg158Cys]NMEKIQVIKD